The following is an entry in ClinVar:

ClinVar aggregate classification (germline): Uncertain significance (1 of 4 stars; one submission).

Conditions:
Hereditary spastic paraplegia 63. Also called: Spastic paraplegia 63, autosomal recessive. Identifiers: Orphanet 401805, MedGen C3810295, MONDO:0014305, OMIM 615686.

Allele frequency attached by ClinVar (database versions not stated): gnomAD exomes below 0.00001.
gnomAD v4.1: 2 of 1,613,336 alleles (0.00012%); highest among the groups gnomAD compares: Non-Finnish European, 0.00017%; no homozygotes.

Submission:

Baylor Genetics
Classification: Uncertain significance for Hereditary spastic paraplegia 63. Last evaluated: 2020-07-27. Review status: criteria provided, single submitter. Criteria: ACMG Guidelines, 2015. Collection method: clinical testing. Allele origin: unknown. Affected: yes.
Comment: This variant was determined to be of uncertain significance according to ACMG Guidelines, 2015 [PMID:25741868].

NM_001368809.2(AMPD2):c.2009A>G (p.Tyr670Cys)

Gene: AMPD2 (adenosine monophosphate deaminase 2; plus strand). Cytogenetic location: 1p13.3.
Variant type: single nucleotide variant.
Coding change: c.2009A>G on transcript NM_001368809.2 (MANE Select); coding-DNA position 2009, A replaced by G.
Protein change: p.Tyr670Cys; replaces tyrosine 670 with cysteine.
Molecular consequence: missense variant.
Genome position (GRCh38, 1-based): chr1:109,630,258, A>G. VCF-style: chr1-109630258-A-G. GRCh37 (hg19) VCF-style: chr1-110172880-A-G.
Other names: c.2171A>G (NM_001257360.1); c.1817A>G, p.Tyr606Cys (NM_001257361.2); c.1946A>G, p.Tyr649Cys (NM_001308170.1); c.2009A>G, p.Tyr670Cys (NM_004037.9); c.1928A>G, p.Tyr643Cys (NM_139156.4); short protein forms Y649C, Y670C, Y606C, Y643C.
Identifiers: ClinVar variation 1027848 (VCV001027848.1), dbSNP rs1651099625, ClinGen allele CA341562429.